The following is an entry in ClinVar:

NM_000138.5(FBN1):c.7201G>T (p.Ala2401Ser)

Gene: FBN1 (fibrillin 1; minus strand). Cytogenetic location: 15q21.1.
Variant type: single nucleotide variant.
Coding change: c.7201G>T on transcript NM_000138.5 (MANE Select); coding-DNA position 7201, G replaced by T.
Protein change: p.Ala2401Ser; replaces alanine 2401 with serine.
Molecular consequence: missense variant.
Genome position (GRCh38, 1-based): chr15:48,427,570, C>A on the plus strand (G>T on the coding strand, the complement: FBN1 is on the minus strand). VCF-style: chr15-48427570-C-A. GRCh37 (hg19) VCF-style: chr15-48719767-C-A.
Other names: short protein forms A2401S.
Identifiers: ClinVar variation 547344 (VCV000547344.20), dbSNP rs771260695, ClinGen allele CA058014.
Genomic context (GRCh38, chr15:48,427,570, plus strand): 5'-CACAAAAAACAAATAAATAGATTCCCTGCAAGTATTTTTGGACTATAAATGAAGTACCTG[C>A]TCCATTGGTCATGAATCCTCGGCCATGGGGACAGAGTTTCTTGAAAGCCACAGTCCCCTG-3'
Protein context (NP_000129.3, residues 2391-2411): PHGRGFMTNG[Ala2401Ser]DIDECKVIHD

ClinVar aggregate classification (germline): Conflicting classifications of pathogenicity. Review status: criteria provided, conflicting classifications (1 of 4 stars). 8 submissions from 8 submitters: Uncertain significance (4); Likely benign (3). 1 of the submissions does not count toward it. Last evaluated 2025-05-22.

Conditions:
Familial thoracic aortic aneurysm and aortic dissection (TAAD). Also called: Thoracic aortic aneurysms and dissections. Identifiers: Orphanet 91387, MedGen C4707243, MONDO:0019625.
Marfan syndrome (MFS). Also called: MARFAN SYNDROME, TYPE I; Marfan syndrome type 1; Marfan's syndrome; Marfan syndrome, classic; FBN1-Related Marfan Syndrome. Identifiers: Orphanet 284963, Orphanet 558, MedGen C0024796, MONDO:0007947, OMIM 154700.
Connective tissue disorder. Also called: Connective tissue disease. Identifiers: MedGen C0009782, MONDO:0003900.

Allele frequency attached by ClinVar (database versions not stated): gnomAD exomes below 0.00001 and 0.00001; ExAC 0.00001; TOPMed 0.00001.
gnomAD v4.1: 6 of 1,613,716 alleles (0.00037%); highest among the groups gnomAD compares: Non-Finnish European, 0.00051%; no homozygotes.

Submissions (8):

Labcorp Genetics (formerly Invitae), Labcorp
Classification: Likely benign for Marfan syndrome; Familial thoracic aortic aneurysm and aortic dissection. Last evaluated: 2025-05-22. Review status: criteria provided, single submitter. Criteria: Invitae Variant Classification Sherloc (09022015). Collection method: clinical testing. Allele origin: germline.

CeGaT Center for Human Genetics Tuebingen
Classification: Likely benign. Last evaluated: 2025-03-01. Review status: criteria provided, single submitter. Criteria: CeGaT Center For Human Genetics Tuebingen Variant Classification Criteria Version 2. Collection method: clinical testing. Allele origin: germline. Affected: yes. Observed: 1 variant allele.
Comment: FBN1: BP4

Ambry Genetics
Classification: Uncertain significance for Familial thoracic aortic aneurysm and aortic dissection. Last evaluated: 2024-12-05. Review status: criteria provided, single submitter. Criteria: Ambry Variant Classification Scheme 2023. Collection method: clinical testing. Allele origin: germline.
Comment: The p.A2401S variant (also known as c.7201G>T), located in coding exon 57 of the FBN1 gene, results from a G to T substitution at nucleotide position 7201. The alanine at codon 2401 is replaced by serine, an amino acid with similar properties. This amino acid position is not well conserved in available vertebrate species. In addition, this alteration is predicted to be tolerated by in silico analysis. Based on the available evidence, the clinical significance of this variant remains unclear.

All of Us Research Program, National Institutes of Health
Classification: Uncertain significance for Marfan syndrome. Last evaluated: 2024-02-05. Review status: criteria provided, single submitter. Criteria: ACMG Guidelines, 2015. Collection method: clinical testing. Allele origin: germline. Inheritance: Autosomal dominant inheritance. Observed: 2 variant alleles, 2 heterozygotes.
Comment: This missense variant replaces alanine with serine at codon 2401 of the FBN1 protein. Computational prediction tools and conservation analyses are inconclusive regarding the impact of this variant on protein function. Computational splicing tools suggest that this variant may not impact RNA splicing. To our knowledge, functional assays have not been performed for this variant nor has this variant been reported in individuals affected with cardiovascular disorders in the literature. This variant has been identified in 1/251032 chromosomes in the general population by the Genome Aggregation Database (gnomAD). Available evidence is insufficient to determine the role of this variant in disease conclusively. Therefore, this variant is classified as a Variant of Uncertain Significance.

This study involves interpretation of variants in research participants for the purpose of population health screening. Participant phenotype was not available at the time of variant classification. Additional details can be found in publication PMID: 35346344, PMCID: PMC8962531

Color Diagnostics, LLC DBA Color Health
Classification: Uncertain significance for Familial thoracic aortic aneurysm and aortic dissection. Last evaluated: 2023-12-05. Review status: criteria provided, single submitter. Criteria: ACMG Guidelines, 2015. Collection method: clinical testing. Allele origin: germline.
Comment: This missense variant replaces alanine with serine at codon 2401 of the FBN1 protein. Computational prediction tools and conservation analyses are inconclusive regarding the impact of this variant on protein function. Computational splicing tools suggest that this variant may not impact RNA splicing. To our knowledge, functional assays have not been performed for this variant nor has this variant been reported in individuals affected with cardiovascular disorders in the literature. This variant has been identified in 1/251032 chromosomes in the general population by the Genome Aggregation Database (gnomAD). Available evidence is insufficient to determine the role of this variant in disease conclusively. Therefore, this variant is classified as a Variant of Uncertain Significance.

Women's Health and Genetics/Laboratory Corporation of America, LabCorp
Classification: Uncertain significance. Last evaluated: 2022-06-06. Review status: criteria provided, single submitter. Criteria: LabCorp Variant Classification Summary - May 2015. Collection method: clinical testing. Allele origin: germline.
Comment: Variant summary: FBN1 c.7201G>T (p.Ala2401Ser) results in a conservative amino acid change in the encoded protein sequence. Four of five in-silico tools predict a benign effect of the variant on protein function. The variant allele was found at a frequency of 4e-06 in 251032 control chromosomes. The available data on variant occurrences in the general population are insufficient to allow any conclusion about variant significance. To our knowledge, no occurrence of c.7201G>T in individuals affected with Marfan Syndrome and no experimental evidence demonstrating its impact on protein function have been reported. Three clinical diagnostic laboratories have submitted clinical-significance assessments for this variant to ClinVar after 2014 without evidence for independent evaluation (likely benign n=1, VUS n=2). Based on the evidence outlined above, the variant was classified as uncertain significance.

Center for Human Genetics, Inc
Classification: Likely benign for Connective tissue disorder. Last evaluated: 2016-11-01. Review status: criteria provided, single submitter. Criteria: ACMG Guidelines, 2015. Collection method: clinical testing. Allele origin: germline. Affected: yes.

Center for Medical Genetics Ghent, University of Ghent
Classification: Uncertain significance for Marfan syndrome. Last evaluated: 2017-11-07. Review status: no assertion criteria provided. Collection method: clinical testing. Allele origin: germline. Affected: yes. Not counted in ClinVar's aggregate classification.